The following is an entry in ClinVar:

ClinVar aggregate classification (germline): Uncertain significance (1 of 4 stars; one submission).

Allele frequency attached by ClinVar (database versions not stated): gnomAD exomes below 0.00001; ExAC 0.00001; gnomAD 0.00003; TOPMed 0.00004; ESP Exome Variant Server 0.00008.
gnomAD v4.1: 10 of 1,614,028 alleles (0.00062%); highest among the groups gnomAD compares: African/African-American, 0.013%; no homozygotes.

Submission:

Labcorp Genetics (formerly Invitae), Labcorp
Classification: Uncertain significance. Last evaluated: 2023-07-22. Review status: criteria provided, single submitter. Criteria: Invitae Variant Classification Sherloc (09022015). Collection method: clinical testing. Allele origin: germline.
Comment: Algorithms developed to predict the effect of missense changes on protein structure and function output the following: SIFT: "Not Available"; PolyPhen-2: "Benign"; Align-GVGD: "Not Available". The threonine amino acid residue is found in multiple mammalian species, which suggests that this missense change does not adversely affect protein function. In summary, the available evidence is currently insufficient to determine the role of this variant in disease. Therefore, it has been classified as a Variant of Uncertain Significance. This variant has not been reported in the literature in individuals affected with SLCO5A1-related conditions. This variant is present in population databases (rs376407579, gnomAD 0.02%). This sequence change replaces isoleucine, which is neutral and non-polar, with threonine, which is neutral and polar, at codon 814 of the SLCO5A1 protein (p.Ile814Thr).

NM_030958.3(SLCO5A1):c.2441T>C (p.Ile814Thr)

Gene: SLCO5A1 (solute carrier organic anion transporter family member 5A1; minus strand). Cytogenetic location: 8q13.3.
Variant type: single nucleotide variant.
Coding change: c.2441T>C on transcript NM_030958.3 (MANE Select); coding-DNA position 2441, T replaced by C.
Protein change: p.Ile814Thr; replaces isoleucine 814 with threonine.
Molecular consequence: missense variant. On other transcripts: 3 prime UTR variant (1).
Genome position (GRCh38, 1-based): chr8:69,672,975, A>G on the plus strand (T>C on the coding strand, the complement: SLCO5A1 is on the minus strand). VCF-style: chr8-69672975-A-G. GRCh37 (hg19) VCF-style: chr8-70585210-A-G.
Other names: c.*312T>C (NM_001146008.2); c.2276T>C, p.Ile759Thr (NM_001146009.1); short protein forms I759T, I814T.
Identifiers: ClinVar variation 2708793 (VCV002708793.3), dbSNP rs376407579, ClinGen allele CA4776325.